The following is an entry in ClinVar:

ClinVar aggregate classification (germline): Pathogenic (1 of 4 stars; one submission).

Submission:

Labcorp Genetics (formerly Invitae), Labcorp
Classification: Pathogenic. Last evaluated: 2022-05-15. Review status: criteria provided, single submitter. Criteria: Invitae Variant Classification Sherloc (09022015). Collection method: clinical testing. Allele origin: germline.
Comment: For these reasons, this variant has been classified as Pathogenic. This variant has not been reported in the literature in individuals affected with RTN4IP1-related conditions. This variant is a gross deletion of the genomic region encompassing exon(s) 2-3 of the RTN4IP1 gene. This deletion is out-of-frame, and is expected to create a premature termination codon and result in an absent or disrupted protein product. Loss-of-function variants in RTN4IP1 are known to be pathogenic (PMID: 26593267).

Literature cited by the submitters: PubMed 26593267.

NC_000006.11:g.(?_107069280)_(107070864_?)del

Gene: RTN4IP1 (reticulon 4 interacting protein 1; minus strand). Cytogenetic location: 6q21.
Variant type: Deletion.
Identifiers: ClinVar variation 2427063 (VCV002427063.4).